The following is an entry in ClinVar:

ClinVar aggregate classification (germline): Uncertain significance (1 of 4 stars; one submission).

Conditions:
Cardiovascular phenotype. Identifiers: MedGen CN230736.

Allele frequency attached by ClinVar (database versions not stated): gnomAD exomes 0.00001; ESP Exome Variant Server 0.00008.
gnomAD v4.1: 9 of 1,607,950 alleles (0.00056%); highest among the groups gnomAD compares: Non-Finnish European, 0.00077%; no homozygotes.

Submission:

Ambry Genetics
Classification: Uncertain significance for Cardiovascular phenotype. Last evaluated: 2021-10-13. Review status: criteria provided, single submitter. Criteria: Ambry Variant Classification Scheme 2023. Collection method: clinical testing. Allele origin: germline.
Comment: The p.C98R variant (also known as c.292T>C), located in coding exon 2 of the LAMA4 gene, results from a T to C substitution at nucleotide position 292. The cysteine at codon 98 is replaced by arginine, an amino acid with highly dissimilar properties. This amino acid position is conserved. In addition, this alteration is predicted to be deleterious by in silico analysis. Since supporting evidence is limited at this time, the clinical significance of this alteration remains unclear.

NM_001105206.3(LAMA4):c.292T>C (p.Cys98Arg)

Gene: LAMA4 (laminin subunit alpha 4; minus strand). Cytogenetic location: 6q21.
Variant type: single nucleotide variant.
Coding change: c.292T>C on transcript NM_001105206.3 (MANE Select); coding-DNA position 292, T replaced by C.
Protein change: p.Cys98Arg; replaces cysteine 98 with arginine.
Molecular consequence: missense variant.
Genome position (GRCh38, 1-based): chr6:112,216,373, A>G on the plus strand (T>C on the coding strand, the complement: LAMA4 is on the minus strand). VCF-style: chr6-112216373-A-G. GRCh37 (hg19) VCF-style: chr6-112537574-A-G.
Other names: c.292T>C, p.Cys98Arg (NM_001105207.3, NM_002290.5); short protein forms C98R.
Identifiers: ClinVar variation 1797801 (VCV001797801.2), dbSNP rs375983375, ClinGen allele CA145039669.